The following is an entry in ClinVar:

NM_032383.5(HPS3):c.*128A>G

Genes: CP (ceruloplasmin; minus strand), HPS3 (HPS3 biogenesis of lysosomal organelles complex 2 subunit 1; plus strand). Cytogenetic location: 3q24.
Variant type: single nucleotide variant.
Coding change: c.*128A>G on transcript NM_032383.5 (MANE Select); 128 bases downstream of the stop codon, A replaced by G.
Molecular consequence: 3 prime UTR variant.
Genome position (GRCh38, 1-based): chr3:149,172,350, A>G. VCF-style: chr3-149172350-A-G. GRCh37 (hg19) VCF-style: chr3-148890137-A-G.
Other names: c.*128A>G (NM_001308258.2).
Identifiers: ClinVar variation 343731 (VCV000343731.8), dbSNP rs73019023, ClinGen allele CA10615515.

ClinVar aggregate classification (germline): Benign/Likely benign. Review status: criteria provided, multiple submitters, no conflicts (2 of 4 stars). 3 submissions from 3 submitters: Benign (2); Likely benign (1). Last evaluated 2019-10-06.

Conditions:
Hermansky-Pudlak syndrome 3 (HPS3). Identifiers: Orphanet 231512, Orphanet 79430, MedGen C3888001, MONDO:0013555, OMIM 614072.

Allele frequency attached by ClinVar (database versions not stated): gnomAD 0.11195; TOPMed 0.11485; 1000 Genomes Project 0.11701.
gnomAD v4.1: 62,271 of 697,488 alleles (8.9%); highest among the groups gnomAD compares: African/African-American, 17%; 3,440 homozygotes.

Submissions (3):

GeneDx
Classification: Benign. Last evaluated: 2019-10-06. Review status: criteria provided, single submitter. Criteria: GeneDx Variant Classification Process June 2021. Collection method: clinical testing. Allele origin: germline. Affected: yes.

Illumina Laboratory Services, Illumina
Classification: Benign for Hermansky-Pudlak syndrome 3. Last evaluated: 2018-01-12. Review status: criteria provided, single submitter. Criteria: ICSL Variant Classification Criteria 13 December 2019. Collection method: clinical testing. Allele origin: germline.
Comment: This variant was observed in the ICSL laboratory as part of a predisposition screen in an ostensibly healthy population. It had not been previously curated by ICSL or reported in the Human Gene Mutation Database (HGMD: prior to June 1st, 2018), and was therefore a candidate for classification through an automated scoring system. Utilizing variant allele frequency, disease prevalence and penetrance estimates, and inheritance mode, an automated score was calculated to assess if this variant is too frequent to cause the disease. Based on the score and internal cut-off values, a variant classified as benign is not then subjected to further curation. The score for this variant resulted in a classification of benign for this disease.

Breakthrough Genomics
Classification: Likely benign. Review status: criteria provided, single submitter. Criteria: ACMG Guidelines, 2015. Collection method: not provided. Allele origin: germline. Inheritance: Autosomal recessive inheritance. Affected: yes.